The following is an entry in ClinVar:

ClinVar aggregate classification (germline): Uncertain significance (1 of 4 stars; one submission).

Conditions:
Hereditary cancer-predisposing syndrome. Also called: Hereditary Cancer Syndrome; Hereditary neoplastic syndrome; Neoplastic Syndromes, Hereditary; Tumor predisposition. Identifiers: Orphanet 140162, MedGen C0027672, MeSH D009386, MONDO:0015356.

Submission:

Ambry Genetics
Classification: Uncertain significance for Hereditary cancer-predisposing syndrome. Last evaluated: 2025-07-21. Review status: criteria provided, single submitter. Criteria: Ambry Variant Classification Scheme 2023. Collection method: clinical testing. Allele origin: germline.
Comment: The p.P279T variant (also known as c.835C>A), located in coding exon 3 of the ALK gene, results from a C to A substitution at nucleotide position 835. The proline at codon 279 is replaced by threonine, an amino acid with highly similar properties. This amino acid position is conserved. In addition, the in silico prediction for this alteration is inconclusive. Based on the available evidence, the clinical significance of this variant remains unclear.

NM_004304.5(ALK):c.835C>A (p.Pro279Thr)

Gene: ALK (ALK receptor tyrosine kinase; minus strand). Cytogenetic location: 2p23.2.
Variant type: single nucleotide variant.
Coding change: c.835C>A on transcript NM_004304.5 (MANE Select); coding-DNA position 835, C replaced by A.
Protein change: p.Pro279Thr; replaces proline 279 with threonine.
Molecular consequence: missense variant.
Genome position (GRCh38, 1-based): chr2:29,694,967, G>T on the plus strand (C>A on the coding strand, the complement: ALK is on the minus strand). VCF-style: chr2-29694967-G-T. GRCh37 (hg19) VCF-style: chr2-29917833-G-T.
Other names: short protein forms P279T.
Identifiers: ClinVar variation 4272602 (VCV004272602.1).
Genomic context (GRCh38, chr2:29,694,967, plus strand): 5'-AGGCCTCCTCGGAGGGGATGCGGCGCCAGGACCAGCTCTGGTTCCTGAGGTCATGCAGTG[G>T]AGGGGAATACTCCAGCTCACAGGGGAAGTCAAAGCTGCACTCCAGACCTGCAATAATAGC-3'
Protein context (NP_004295.2, residues 269-289): DFPCELEYSP[Pro279Thr]LHDLRNQSWS